The following is an entry in ClinVar:

NM_144973.4(DENND5B):c.2529G>C (p.Arg843Ser)

Gene: DENND5B (DENN domain containing 5B; minus strand). Cytogenetic location: 12p11.21.
Variant type: single nucleotide variant.
Coding change: c.2529G>C on transcript NM_144973.4 (MANE Select); coding-DNA position 2529, G replaced by C.
Protein change: p.Arg843Ser; replaces arginine 843 with serine.
Molecular consequence: missense variant.
Genome position (GRCh38, 1-based): chr12:31,415,390, C>G on the plus strand (G>C on the coding strand, the complement: DENND5B is on the minus strand). VCF-style: chr12-31415390-C-G. GRCh37 (hg19) VCF-style: chr12-31568324-C-G.
Other names: c.2634G>C, p.Arg878Ser (NM_001308339.2); short protein forms R843S, R878S.
Identifiers: ClinVar variation 4852315 (VCV004852315.1).
Genomic context (GRCh38, chr12:31,415,390, plus strand): 5'-ATCACCACATGCTAACACATGTATTAATAACAAATACCTCATGTCCTGAATAAGAGAGAC[C>G]CTGAGCGTTGGCAACATAACTCCTGAGTCAGATTTTCTTCTTTCTGGTCCGAGGGCAACT-3'
Protein context (NP_659410.3, residues 833-853): SDSGVMLPTL[Arg843Ser]VSLIQDMRHI

ClinVar aggregate classification (germline): Likely benign (1 of 4 stars; one submission).

Conditions:
Neurodevelopmental disorder. Identifiers: MedGen C1535926, MeSH D065886, MONDO:0700092.

gnomAD v4.1: 6 of 1,610,134 alleles (0.00037%); highest among the groups gnomAD compares: Non-Finnish European, 0.00051%; no homozygotes.

Submission:

Centre for Medical Genetics,  Mumbai
Classification: Likely benign for Neurodevelopmental disorder. Last evaluated: 2026-05-13. Review status: criteria provided, single submitter. Criteria: ACMG Guidelines, 2015. Collection method: provider interpretation. Allele origin: germline. Inheritance: Autosomal dominant inheritance. Affected: no. Observed: 1 variant allele, 1 heterozygote.
Comment: The variant satisfies PM2 criteria - extremely low frequency in gnomAD population databases. The variant satisfies PP2 criteria - missense variant in a gene with low rate of benign missense mutations and for which missense mutation is a common mechanism of a disease. The variant satisfies BP4 criteria - for a missense or a splice region variant, computational prediction tools unanimously support a benign effect on the gene. However, the variant satisfies BS2 criteria - present in heterozygous state in an individual that clinically does not have complex neurodevelopmental disorder.

Literature cited by the submitters: PMC PMC10940048.